The following is an entry in ClinVar:

ClinVar aggregate classification (germline): Likely pathogenic (0 of 4 stars; one submission).

Conditions:
Finnish congenital nephrotic syndrome (NPHS1). Also called: NEPHROTIC SYNDROME, TYPE 1. Identifiers: Orphanet 839, MedGen C0403399, MONDO:0009732, OMIM 256300.

gnomAD v4.1: 1 of 1,614,048 alleles (0.000062%); highest among the groups gnomAD compares: Non-Finnish European, 0.000085%; no homozygotes.

Submission:

Juha Muilu Group; Institute for Molecular Medicine Finland (FIMM)
Classification: Likely pathogenic for Finnish congenital nephrotic syndrome. Review status: no assertion criteria provided. Collection method: not provided. Allele origin: unknown.
Comment: FinDis database variant: FinDis database variant: This variant was not found or characterized by our laboratory, data were collected from public sources: see reference
ClinVar note: Converted during submission from probable-pathogenic to Likely pathogenic.

NM_004646.4(NPHS1):c.1134G>A (p.Trp378Ter)

Gene: NPHS1 (NPHS1 adhesion molecule, nephrin; minus strand). Cytogenetic location: 19q13.12.
Variant type: single nucleotide variant.
Coding change: c.1134G>A on transcript NM_004646.4 (MANE Select); coding-DNA position 1134, G replaced by A.
Protein change: p.Trp378Ter; replaces tryptophan 378 with a stop codon.
Molecular consequence: nonsense.
Genome position (GRCh38, 1-based): chr19:35,848,673, C>T on the plus strand (G>A on the coding strand, the complement: NPHS1 is on the minus strand). VCF-style: chr19-35848673-C-T. GRCh37 (hg19) VCF-style: chr19-36339575-C-T.
Other names: short protein forms W378*.
Identifiers: ClinVar variation 56426 (VCV000056426.2), dbSNP rs386833869, ClinGen allele CA250098.
Genomic context (GRCh38, chr19:35,848,673, plus strand): 5'-CCAGGAGCCTGGCCCCCGCCTCACATCCATGACTGTCTCCTCCATGGGCAGCAGCTGCCG[C>T]CAGCCCAGCCACCATCGTAGCAGAACCCGCGGGCGACTGGACTTGCTGACACAGGAGAGT-3'